The following is an entry in ClinVar:

ClinVar aggregate classification (germline): Uncertain significance. Review status: criteria provided, multiple submitters, no conflicts (2 of 4 stars). 3 submissions from 3 submitters: Uncertain significance (3). Last evaluated 2024-10-20.

Conditions:
Tuberous sclerosis 2 (TSC2). Identifiers: Orphanet 805, MedGen C1860707, MONDO:0013199, OMIM 613254.
Lymphangiomyomatosis (LAM). Also called: Lymphangioleiomyomatosis, somatic; Lymphangioleiomyomatosis. Identifiers: Orphanet 538, MedGen C0751674, MONDO:0011705, OMIM 606690.
Isolated focal cortical dysplasia type II (FCORD2). Also called: Focal cortical dysplasia type II; CORTICAL DYSPLASIA OF TAYLOR. Identifiers: Orphanet 268994, MedGen C1846385, MONDO:0011818, OMIM 607341, HP:0032051.
Hereditary cancer-predisposing syndrome. Also called: Tumor predisposition; Neoplastic Syndromes, Hereditary; Hereditary neoplastic syndrome; Hereditary Cancer Syndrome. Identifiers: Orphanet 140162, MedGen C0027672, MeSH D009386, MONDO:0015356.
Tuberous sclerosis syndrome (TSC). Also called: Tuberous Sclerosis Complex; Tuberous sclerosis. Identifiers: Orphanet 805, MedGen C0041341, MONDO:0001734.

Submissions (3):

Ambry Genetics
Classification: Uncertain significance for Hereditary cancer-predisposing syndrome. Last evaluated: 2024-10-20. Review status: criteria provided, single submitter. Criteria: Ambry Variant Classification Scheme 2023. Collection method: clinical testing. Allele origin: germline.
Comment: The p.F1710L variant (also known as c.5130C>A), located in coding exon 39 of the TSC2 gene, results from a C to A substitution at nucleotide position 5130. The phenylalanine at codon 1710 is replaced by leucine, an amino acid with highly similar properties. This amino acid position is conserved. In addition, the in silico prediction for this alteration is inconclusive. Based on the available evidence, the clinical significance of this variant remains unclear.

Fulgent Genetics
Classification: Uncertain significance for Lymphangiomyomatosis; Isolated focal cortical dysplasia type II; Tuberous sclerosis 2. Last evaluated: 2022-03-04. Review status: criteria provided, single submitter. Criteria: ACMG Guidelines, 2015. Collection method: clinical testing. Allele origin: unknown.

Illumina Laboratory Services, Illumina
Classification: Uncertain significance for Tuberous sclerosis syndrome. Last evaluated: 2018-01-13. Review status: criteria provided, single submitter. Criteria: ICSL Variant Classification Criteria 13 December 2019. Collection method: clinical testing. Allele origin: germline.

NM_000548.5(TSC2):c.5130C>A (p.Phe1710Leu)

Gene: TSC2 (TSC complex subunit 2; plus strand). Cytogenetic location: 16p13.3.
Variant type: single nucleotide variant.
Coding change: c.5130C>A on transcript NM_000548.5 (MANE Select); coding-DNA position 5130, C replaced by A.
Protein change: p.Phe1710Leu; replaces phenylalanine 1710 with leucine.
Molecular consequence: missense variant.
Genome position (GRCh38, 1-based): chr16:2,088,109, C>A. VCF-style: chr16-2088109-C-A. GRCh37 (hg19) VCF-style: chr16-2138110-C-A.
Other names: c.4929C>A, p.Phe1643Leu (NM_001077183.3); c.5061C>A, p.Phe1687Leu (NM_001114382.3); c.4821C>A, p.Phe1607Leu (NM_001318827.2); c.4785C>A, p.Phe1595Leu (NM_001318829.2); c.4398C>A, p.Phe1466Leu (NM_001318831.2); c.4962C>A, p.Phe1654Leu (NM_001318832.2); c.4932C>A, p.Phe1644Leu (NM_001363528.2); c.4998C>A, p.Phe1666Leu (NM_001370404.1); and 1 more; short protein forms F1607L, F1654L, F1666L, F1466L, F1687L, F1710L, F1595L, F1643L.
Identifiers: ClinVar variation 885963 (VCV000885963.6), dbSNP rs760978505, ClinGen allele CA394312452.